The following is an entry in ClinVar:

NM_000297.4(PKD2):c.404G>C (p.Gly135Ala)

Genes: PKD2 (polycystin 2, transient receptor potential cation channel; plus strand), LOC129992813 (ATAC-STARR-seq lymphoblastoid silent region 15559; plus strand). Cytogenetic location: 4q22.1.
Variant type: single nucleotide variant.
Coding change: c.404G>C on transcript NM_000297.4 (MANE Select); coding-DNA position 404, G replaced by C.
Protein change: p.Gly135Ala; replaces glycine 135 with alanine.
Molecular consequence: missense variant. On other transcripts: non-coding transcript variant (1).
Genome position (GRCh38, 1-based): chr4:88,008,137, G>C. VCF-style: chr4-88008137-G-C. GRCh37 (hg19) VCF-style: chr4-88929289-G-C.
Other names: short protein forms G135A.
Identifiers: ClinVar variation 3726167 (VCV003726167.2).

ClinVar aggregate classification (germline): Uncertain significance (1 of 4 stars; one submission).

Conditions:
Autosomal dominant polycystic kidney disease. Identifiers: Orphanet 730, MedGen C0085413, MONDO:0004691.

Submission:

Labcorp Genetics (formerly Invitae), Labcorp
Classification: Uncertain significance for Autosomal dominant polycystic kidney disease. Last evaluated: 2024-11-27. Review status: criteria provided, single submitter. Criteria: Invitae Variant Classification Sherloc (09022015). Collection method: clinical testing. Allele origin: germline.
Comment: This sequence change replaces glycine, which is neutral and non-polar, with alanine, which is neutral and non-polar, at codon 135 of the PKD2 protein (p.Gly135Ala). This variant is not present in population databases (gnomAD no frequency). This variant has not been reported in the literature in individuals affected with PKD2-related conditions. An algorithm developed to predict the effect of missense changes on protein structure and function outputs the following: PolyPhen-2: "Benign". The alanine amino acid residue is found in multiple mammalian species, which suggests that this missense change does not adversely affect protein function. In summary, the available evidence is currently insufficient to determine the role of this variant in disease. Therefore, it has been classified as a Variant of Uncertain Significance.